The following is an entry in ClinVar:

NM_001743.6(CALM2):c.328A>T (p.Met110Leu)

Gene: CALM2 (calmodulin 2; minus strand). Cytogenetic location: 2p21.
Variant type: single nucleotide variant.
Coding change: c.328A>T on transcript NM_001743.6 (MANE Select); coding-DNA position 328, A replaced by T.
Protein change: p.Met110Leu; replaces methionine 110 with leucine.
Molecular consequence: missense variant.
Genome position (GRCh38, 1-based): chr2:47,161,816, T>A on the plus strand (A>T on the coding strand, the complement: CALM2 is on the minus strand). VCF-style: chr2-47161816-T-A. GRCh37 (hg19) VCF-style: chr2-47388955-T-A.
Other names: c.220A>T, p.Met74Leu (NM_001305625.2, NM_001305626.1); c.472A>T, p.Met158Leu (NM_001305624.1); short protein forms M110L, M74L, M158L.
Identifiers: ClinVar variation 458191 (VCV000458191.14), dbSNP rs1553431711, ClinGen allele CA346719212.

ClinVar aggregate classification (germline): Conflicting classifications of pathogenicity. Review status: criteria provided, conflicting classifications (1 of 4 stars). 3 submissions from 3 submitters: Likely pathogenic (2); Uncertain significance (1). Last evaluated 2026-07-30.

Conditions:
Long QT syndrome 1 (LQT1). Identifiers: Orphanet 101016, Orphanet 768, MedGen C4551647, MONDO:0100316, OMIM 192500, MONDO:0008646.
Cardiovascular phenotype. Identifiers: MedGen CN230736.

Submissions (3):

Ambry Genetics
Classification: Likely pathogenic for Cardiovascular phenotype. Last evaluated: 2026-07-30. Review status: criteria provided, single submitter. Criteria: Ambry Variant Classification Scheme 2023. Collection method: clinical testing. Allele origin: germline.
Comment: The c.328A>T (p.M110L) alteration is located in exon 5 (coding exon 5) of the CALM2 gene. This alteration results from an A to T substitution at nucleotide position 328, causing the methionine (M) at amino acid position 110 to be replaced by a leucine (L). This variant was not reported in population-based cohorts in the Genome Aggregation Database (gnomAD). This variant was reported in individual(s) with features consistent with calmodulinopathy; in at least one individual, it was determined to be de novo (external communication). This amino acid position is highly conserved in available vertebrate species. This missense variant is located in a region that has a low rate of benign missense variation (Lek, 2016; Firth, 2009). The in silico prediction for this alteration is inconclusive. Based on the available evidence, this alteration is classified as likely pathogenic.

Blueprint Genetics
Classification: Uncertain significance. Last evaluated: 2023-06-30. Review status: criteria provided, single submitter. Criteria: ACMG Guidelines, 2015. Collection method: clinical testing. Allele origin: germline.

Labcorp Genetics (formerly Invitae), Labcorp
Classification: Likely pathogenic for Long QT syndrome 1. Last evaluated: 2017-04-02. Review status: criteria provided, single submitter. Criteria: Invitae Variant Classification Sherloc (09022015). Collection method: clinical testing. Allele origin: germline.
Comment: This sequence change replaces methionine with leucine at codon 110 of the CALM2 protein (p.Met110Leu). The methionine residue is highly conserved and there is a small physicochemical difference between methionine and leucine. This variant is not present in population databases (ExAC no frequency) and has not been reported in the literature in individuals with a CALM2-related disease. Algorithms developed to predict the effect of missense changes on protein structure and function (SIFT, PolyPhen-2, Align-GVGD) all suggest that this variant is likely to be tolerated, but these predictions have not been confirmed by published functional studies. This evidence indicates that the variant is pathogenic, but additional data is needed to prove that conclusively. Therefore, this variant has been classified as Likely Pathogenic.